The following is an entry in ClinVar:

ClinVar aggregate classification (germline): Uncertain significance (1 of 4 stars; one submission).

gnomAD v4.1: 1 of 1,203,448 alleles (0.000083%); highest among the groups gnomAD compares: African/African-American, 0.0018%; no homozygotes.

Submission:

GeneDx
Classification: Uncertain significance. Last evaluated: 2024-11-26. Review status: criteria provided, single submitter. Criteria: GeneDx Variant Classification Process June 2021. Collection method: clinical testing. Allele origin: germline. Affected: yes.
Comment: Not observed at significant frequency in large population cohorts (gnomAD); In silico analysis indicates that this missense variant does not alter protein structure/function; Has not been previously published as pathogenic or benign to our knowledge

NM_201599.3(ZMYM3):c.124A>C (p.Thr42Pro)

Gene: ZMYM3 (zinc finger MYM-type containing 3; minus strand). Cytogenetic location: Xq13.1.
Variant type: single nucleotide variant.
Coding change: c.124A>C on transcript NM_201599.3 (MANE Select); coding-DNA position 124, A replaced by C.
Protein change: p.Thr42Pro; replaces threonine 42 with proline.
Molecular consequence: missense variant.
Genome position (GRCh38, 1-based): chrX:71,253,132, T>G on the plus strand (A>C on the coding strand, the complement: ZMYM3 is on the minus strand). VCF-style: chrX-71253132-T-G. GRCh37 (hg19) VCF-style: chrX-70472982-T-G.
Other names: c.124A>C, p.Thr42Pro (NM_001171162.1, NM_001171163.1, NM_005096.3); short protein forms T42P.
Identifiers: ClinVar variation 3900855 (VCV003900855.1).